The following is an entry in ClinVar:

ClinVar aggregate classification (germline): Pathogenic (1 of 4 stars; one submission).

Conditions:
Kabuki syndrome 2 (KABUK2). Also called: KDM6A-Related Kabuki Syndrome. Identifiers: Orphanet 2322, MedGen C3275495, MONDO:0010465, OMIM 300867.

Submission:

Labcorp Genetics (formerly Invitae), Labcorp
Classification: Pathogenic for Kabuki syndrome 2. Last evaluated: 2023-10-19. Review status: criteria provided, single submitter. Criteria: Invitae Variant Classification Sherloc (09022015). Collection method: clinical testing. Allele origin: germline.
Comment: This sequence change affects a donor splice site in intron 2 of the KDM6A gene. It is expected to disrupt RNA splicing. Variants that disrupt the donor or acceptor splice site typically lead to a loss of protein function (PMID: 16199547), and loss-of-function variants in KDM6A are known to be pathogenic (PMID: 23076834, 23913813). This variant is not present in population databases (gnomAD no frequency). Disruption of this splice site has been observed in individual(s) with clinical features of Kabuki syndrome (Invitae). In at least one individual the variant was observed to be de novo. ClinVar contains an entry for this variant (Variation ID: 1471961). Algorithms developed to predict the effect of sequence changes on RNA splicing suggest that this variant may disrupt the consensus splice site. For these reasons, this variant has been classified as Pathogenic.

Literature cited by the submitters: PubMed 16199547; PubMed 23076834; PubMed 23913813.

NM_001291415.2(KDM6A):c.225+1G>A

Gene: KDM6A (lysine demethylase 6A; plus strand). Cytogenetic location: Xp11.3.
Variant type: single nucleotide variant.
Coding change: c.225+1G>A on transcript NM_001291415.2 (MANE Select); the canonical splice donor site of the intron after coding-DNA position 225, G replaced by A.
Molecular consequence: splice donor variant.
Genome position (GRCh38, 1-based): chrX:44,873,988, G>A. VCF-style: chrX-44873988-G-A. GRCh37 (hg19) VCF-style: chrX-44733234-G-A.
Other names: c.225+1G>A (NM_021140.4, NM_001410742.1, NM_001291416.2 and 2 more transcripts); c.-408+1G>A (NM_001291421.2).
Identifiers: ClinVar variation 1471961 (VCV001471961.6), dbSNP rs2146448773, ClinGen allele CA413020570.